The following is an entry in ClinVar:

NM_001614.5(ACTG1):c.576C>T (p.Ile192=)

Gene: ACTG1 (actin gamma 1; minus strand). Cytogenetic location: 17q25.3.
Variant type: single nucleotide variant.
Coding change: c.576C>T on transcript NM_001614.5 (MANE Select); coding-DNA position 576, C replaced by T.
Protein change: p.Ile192=; no amino-acid change (isoleucine 192 retained).
Molecular consequence: synonymous variant. On other transcripts: non-coding transcript variant (1).
Genome position (GRCh38, 1-based): chr17:81,511,414, G>A on the plus strand (C>T on the coding strand, the complement: ACTG1 is on the minus strand). VCF-style: chr17-81511414-G-A. GRCh37 (hg19) VCF-style: chr17-79478440-G-A.
Other names: c.576C>T, p.Ile192= (NM_001199954.3).
Identifiers: ClinVar variation 162716 (VCV000162716.12), dbSNP rs186443800, ClinGen allele CA175205.

ClinVar aggregate classification (germline): Likely benign. Review status: criteria provided, multiple submitters, no conflicts (2 of 4 stars). 3 submissions from 3 submitters: Likely benign (3). Last evaluated 2024-11-18.

Conditions:
Autosomal dominant nonsyndromic hearing loss 20. Identifiers: Orphanet 90635, MedGen C1858172, MONDO:0011480, OMIM 604717.
Baraitser-winter syndrome 2. Identifiers: Orphanet 2995, MedGen C3281235, MONDO:0013812, OMIM 614583.

Allele frequency attached by ClinVar (database versions not stated): TOPMed 0.00008; 1000 Genomes Project 0.00060; 1000 Genomes Project 30x 0.00062.
gnomAD v4.1: 71 of 1,613,944 alleles (0.0044%); highest among the groups gnomAD compares: Admixed American, 0.077%; no homozygotes.

Submissions (3):

Labcorp Genetics (formerly Invitae), Labcorp
Classification: Likely benign for Baraitser-winter syndrome 2; Autosomal dominant nonsyndromic hearing loss 20. Last evaluated: 2024-11-18. Review status: criteria provided, single submitter. Criteria: Invitae Variant Classification Sherloc (09022015). Collection method: clinical testing. Allele origin: germline.

GeneDx
Classification: Likely benign. Last evaluated: 2018-05-22. Review status: criteria provided, single submitter. Criteria: GeneDx Variant Classification (06012015). Collection method: clinical testing. Allele origin: germline. Affected: yes.
Comment: This variant is considered likely benign or benign based on one or more of the following criteria: it is a conservative change, it occurs at a poorly conserved position in the protein, it is predicted to be benign by multiple in silico algorithms, and/or has population frequency not consistent with disease.

Laboratory for Molecular Medicine, Mass General Brigham Personalized Medicine
Classification: Likely benign. Last evaluated: 2013-07-30. Review status: criteria provided, single submitter. Criteria: LMM Criteria. Collection method: clinical testing. Allele origin: germline. Observed: 1 variant allele.
Comment: Ile192Ile in exon 4 of ACTG1: This variant is not expected to have clinical sign ificance because it does not alter an amino acid residue, it is not located with in the splice consensus sequence, and it has been identified in 0.05% (1/2178) o f chromosomes by the 1000 Genomes Project (dbSNP rs186443800)